The following is an entry in ClinVar:

ClinVar aggregate classification (germline): Likely benign (1 of 4 stars; one submission).

Allele frequency attached by ClinVar (database versions not stated): ExAC 0.00093; ESP Exome Variant Server 0.00170; 1000 Genomes Project 0.00319; 1000 Genomes Project 30x 0.00328.
gnomAD v4.1: 739 of 1,602,790 alleles (0.046%); highest among the groups gnomAD compares: African/African-American, 0.83%; 4 homozygotes.

Submission:

CeGaT Center for Human Genetics Tuebingen
Classification: Likely benign. Last evaluated: 2023-04-01. Review status: criteria provided, single submitter. Criteria: CeGaT Center For Human Genetics Tuebingen Variant Classification Criteria Version 2. Collection method: clinical testing. Allele origin: germline. Affected: yes. Observed: 1 variant allele.
Comment: KIF26A: BS2

NM_015656.2(KIF26A):c.3856G>A (p.Gly1286Arg)

Gene: KIF26A (kinesin family member 26A; plus strand). Cytogenetic location: 14q32.33.
Variant type: single nucleotide variant.
Coding change: c.3856G>A on transcript NM_015656.2 (MANE Select); coding-DNA position 3856, G replaced by A.
Protein change: p.Gly1286Arg; replaces glycine 1286 with arginine.
Molecular consequence: missense variant.
Genome position (GRCh38, 1-based): chr14:104,176,644, G>A. VCF-style: chr14-104176644-G-A. GRCh37 (hg19) VCF-style: chr14-104642981-G-A.
Other names: short protein forms G1286R.
Identifiers: ClinVar variation 2644608 (VCV002644608.24), dbSNP rs200718356, ClinGen allele CA7371121.